The following is an entry in ClinVar:

ClinVar aggregate classification (germline): Uncertain significance (1 of 4 stars; one submission).

Conditions:
Ichthyosis linearis circumflexa. Identifiers: MedGen C0265962, MONDO:0043106, HP:0025810.

Allele frequency attached by ClinVar (database versions not stated): ExAC 0.00002; gnomAD exomes 0.00004; ESP Exome Variant Server 0.00008.
gnomAD v4.1: 18 of 1,613,796 alleles (0.0011%); highest among the groups gnomAD compares: Admixed American, 0.015%; no homozygotes.

Submission:

Labcorp Genetics (formerly Invitae), Labcorp
Classification: Uncertain significance for Ichthyosis linearis circumflexa. Last evaluated: 2022-08-21. Review status: criteria provided, single submitter. Criteria: Invitae Variant Classification Sherloc (09022015). Collection method: clinical testing. Allele origin: germline.
Comment: This variant is present in population databases (rs374182762, gnomAD 0.02%). In summary, the available evidence is currently insufficient to determine the role of this variant in disease. Therefore, it has been classified as a Variant of Uncertain Significance. Algorithms developed to predict the effect of missense changes on protein structure and function are either unavailable or do not agree on the potential impact of this missense change (SIFT: "Tolerated"; PolyPhen-2: "Possibly Damaging"; Align-GVGD: "Class C0"). ClinVar contains an entry for this variant (Variation ID: 1383507). This variant has not been reported in the literature in individuals affected with SPINK5-related conditions. This sequence change replaces arginine, which is basic and polar, with cysteine, which is neutral and slightly polar, at codon 759 of the SPINK5 protein (p.Arg759Cys).

NM_006846.4(SPINK5):c.2275C>T (p.Arg759Cys)

Gene: SPINK5 (serine peptidase inhibitor Kazal type 5; plus strand). Cytogenetic location: 5q32.
Variant type: single nucleotide variant.
Coding change: c.2275C>T on transcript NM_006846.4 (MANE Select); coding-DNA position 2275, C replaced by T.
Protein change: p.Arg759Cys; replaces arginine 759 with cysteine.
Molecular consequence: missense variant.
Genome position (GRCh38, 1-based): chr5:148,119,020, C>T. VCF-style: chr5-148119020-C-T. GRCh37 (hg19) VCF-style: chr5-147498583-C-T.
Other names: c.2275C>T, p.Arg759Cys (NM_001127698.2, NM_001127699.2); short protein forms R759C.
Identifiers: ClinVar variation 1383507 (VCV001383507.6), dbSNP rs374182762, ClinGen allele CA3495932.